The following is an entry in ClinVar:

ClinVar aggregate classification (germline): Uncertain significance (1 of 4 stars; one submission).

Conditions:
Inborn genetic diseases. Identifiers: MedGen C0950123, MeSH D030342.

Submission:

Ambry Genetics
Classification: Uncertain significance for Inborn genetic diseases. Last evaluated: 2025-01-08. Review status: criteria provided, single submitter. Criteria: Ambry Variant Classification Scheme 2023. Collection method: clinical testing. Allele origin: germline.
Comment: The c.598C>T (p.L200F) alteration is located in exon 5 (coding exon 5) of the CACNA1G gene. This alteration results from a C to T substitution at nucleotide position 598, causing the leucine (L) at amino acid position 200 to be replaced by a phenylalanine (F). This variant was not reported in population-based cohorts in the Genome Aggregation Database (gnomAD). This amino acid position is highly conserved in available vertebrate species. This alteration is predicted to be deleterious by in silico analysis. Based on insufficient or conflicting evidence, the clinical significance of this alteration remains unclear.

NM_018896.5(CACNA1G):c.598C>T (p.Leu200Phe)

Gene: CACNA1G (calcium voltage-gated channel subunit alpha1 G; plus strand). Cytogenetic location: 17q21.33.
Variant type: single nucleotide variant.
Coding change: c.598C>T on transcript NM_018896.5 (MANE Select); coding-DNA position 598, C replaced by T.
Protein change: p.Leu200Phe; replaces leucine 200 with phenylalanine.
Molecular consequence: missense variant. On other transcripts: non-coding transcript variant (5).
Genome position (GRCh38, 1-based): chr17:50,571,889, C>T. VCF-style: chr17-50571889-C-T. GRCh37 (hg19) VCF-style: chr17-48649250-C-T.
Other names: c.598C>T, p.Leu200Phe (NM_001256324.2, NM_001256325.2, NM_001256326.2 and 24 more transcripts); short protein forms L200F.
Identifiers: ClinVar variation 3484011 (VCV003484011.2).
Genomic context (GRCh38, chr17:50,571,889, plus strand): 5'-GCCTAGCCCGGCCAGCCTGGTGTCCCCAGCGTGGCTTCTGCCCCCACAGGCATGCGCATC[C>T]TTGTCACGTTGCTGCTGGATACGCTGCCCATGCTGGGCAACGTCCTGCTGCTCTGCTTCT-3'
Protein context (NP_061496.2, residues 190-210): AINRVPSMRI[Leu200Phe]VTLLLDTLPM